The following is an entry in ClinVar:

ClinVar aggregate classification (germline): Conflicting classifications of pathogenicity. Review status: criteria provided, conflicting classifications (1 of 4 stars). 2 submissions from 2 submitters: Uncertain significance (1); Likely benign (1). Last evaluated 2023-06-02.

Conditions:
Hereditary cancer-predisposing syndrome. Also called: Neoplastic Syndromes, Hereditary; Tumor predisposition; Hereditary neoplastic syndrome; Hereditary Cancer Syndrome. Identifiers: Orphanet 140162, MedGen C0027672, MeSH D009386, MONDO:0015356.
Chuvash polycythemia. Also called: POLYCYTHEMIA, VHL-DEPENDENT. Identifiers: Orphanet 238557, MedGen C1837915, MONDO:0009892, OMIM 263400.
Von Hippel-Lindau syndrome (VHLS). Also called: von Hippel–Lindau syndrome; VHL syndrome; Von Hippel-Lindau. Identifiers: Orphanet 892, MedGen C0019562, MONDO:0008667, OMIM 193300. Disease mechanism: loss of function.

Submissions (2):

Labcorp Genetics (formerly Invitae), Labcorp
Classification: Uncertain significance for Von Hippel-Lindau syndrome; Chuvash polycythemia. Last evaluated: 2023-06-02. Review status: criteria provided, single submitter. Criteria: Invitae Variant Classification Sherloc (09022015). Collection method: clinical testing. Allele origin: germline.
Comment: In summary, the available evidence is currently insufficient to determine the role of this variant in disease. Therefore, it has been classified as a Variant of Uncertain Significance. Algorithms developed to predict the effect of missense changes on protein structure and function output the following: SIFT: "Not Available"; PolyPhen-2: "Benign"; Align-GVGD: "Not Available". The arginine amino acid residue is found in multiple mammalian species, which suggests that this missense change does not adversely affect protein function. ClinVar contains an entry for this variant (Variation ID: 1750054). This variant has not been reported in the literature in individuals affected with VHL-related conditions. This variant is not present in population databases (gnomAD no frequency). This sequence change replaces glutamine, which is neutral and polar, with arginine, which is basic and polar, at codon 195 of the VHL protein (p.Gln195Arg).

Ambry Genetics
Classification: Likely benign for Hereditary cancer-predisposing syndrome. Last evaluated: 2020-08-27. Review status: criteria provided, single submitter. Criteria: Ambry Variant Classification Scheme 2023. Collection method: clinical testing. Allele origin: germline.

NM_000551.4(VHL):c.584A>G (p.Gln195Arg)

Genes: VHL (von Hippel-Lindau tumor suppressor; plus strand), LOC107303340 (3p25 von Hippel-Lindau tumor suppressor, E3 ubiquitin protein ligase Alu-mediated recombination region; plus strand). Cytogenetic location: 3p25.3.
Variant type: single nucleotide variant.
Coding change: c.584A>G on transcript NM_000551.4 (MANE Select); coding-DNA position 584, A replaced by G.
Protein change: p.Gln195Arg; replaces glutamine 195 with arginine.
Molecular consequence: missense variant. On other transcripts: 3 prime UTR variant (1).
Genome position (GRCh38, 1-based): chr3:10,149,907, A>G. VCF-style: chr3-10149907-A-G. GRCh37 (hg19) VCF-style: chr3-10191591-A-G.
Other names: c.*138A>G (NM_001354723.2); c.461A>G, p.Gln154Arg (NM_198156.3); short protein forms Q195R, Q154R.
Identifiers: ClinVar variation 1750054 (VCV001750054.7), dbSNP rs2470171278, ClinGen allele CA351756496.